The following is an entry in ClinVar:

NM_001365693.1(MGAM):c.2911A>G (p.Asn971Asp)

Gene: MGAM (maltase-glucoamylase; plus strand). Cytogenetic location: 7q34.
Variant type: single nucleotide variant.
Coding change: c.2911A>G on transcript NM_001365693.1 (MANE Select); coding-DNA position 2911, A replaced by G.
Protein change: p.Asn971Asp; replaces asparagine 971 with aspartic acid.
Molecular consequence: missense variant.
Genome position (GRCh38, 1-based): chr7:142,052,399, A>G. VCF-style: chr7-142052399-A-G. GRCh37 (hg19) VCF-style: chr7-141752199-A-G.
Other names: c.2911A>G, p.Asn971Asp (NM_004668.3); short protein forms N971D.
Identifiers: ClinVar variation 741599 (VCV000741599.27), dbSNP rs199621773, ClinGen allele CA168116528.

ClinVar aggregate classification (germline): Conflicting classifications of pathogenicity. Review status: criteria provided, conflicting classifications (1 of 4 stars). 3 submissions from 3 submitters: Uncertain significance (1); Benign (1); Likely benign (1). Last evaluated 2025-09-24.

Allele frequency attached by ClinVar (database versions not stated): gnomAD 0.00021 and 0.00048; TOPMed 0.00024; ESP Exome Variant Server 0.00025; gnomAD exomes 0.00064 and 0.00115; 1000 Genomes Project 30x 0.00125; ExAC 0.00133; 1000 Genomes Project 0.00140.
gnomAD v4.1: 1,032 of 1,613,352 alleles (0.064%); highest among the groups gnomAD compares: South Asian, 0.72%; 7 homozygotes.

Submissions (3):

Ambry Genetics
Classification: Uncertain significance. Last evaluated: 2025-09-24. Review status: criteria provided, single submitter. Criteria: Ambry Variant Classification Scheme 2023. Collection method: clinical testing. Allele origin: germline.

CeGaT Center for Human Genetics Tuebingen
Classification: Likely benign. Last evaluated: 2022-09-01. Review status: criteria provided, single submitter. Criteria: CeGaT Center For Human Genetics Tuebingen Variant Classification Criteria Version 2. Collection method: clinical testing. Allele origin: germline. Affected: yes. Observed: 1 variant allele.
Comment: MGAM: BP4, BS2

Labcorp Genetics (formerly Invitae), Labcorp
Classification: Benign. Last evaluated: 2018-06-21. Review status: criteria provided, single submitter. Criteria: Invitae Variant Classification Sherloc (09022015). Collection method: clinical testing. Allele origin: germline.